The following is an entry in ClinVar:

NM_001458.5(FLNC):c.7630G>A (p.Gly2544Ser)

Genes: FLNC (filamin C; plus strand), FLNC-AS1 (FLNC antisense RNA 1; minus strand). Cytogenetic location: 7q32.1.
Variant type: single nucleotide variant.
Coding change: c.7630G>A on transcript NM_001458.5 (MANE Select); coding-DNA position 7630, G replaced by A.
Protein change: p.Gly2544Ser; replaces glycine 2544 with serine.
Molecular consequence: missense variant.
Genome position (GRCh38, 1-based): chr7:128,857,186, G>A. VCF-style: chr7-128857186-G-A. GRCh37 (hg19) VCF-style: chr7-128497240-G-A.
Other names: c.7531G>A, p.Gly2511Ser (NM_001127487.2); short protein forms G2511S, G2544S.
Identifiers: ClinVar variation 1463748 (VCV001463748.8), dbSNP rs2128940366, ClinGen allele CA369219429.
Genomic context (GRCh38, chr7:128,857,186, plus strand): 5'-TCAGAGTTCATCGTGAACACCCTGAATGCCGGCTCGGGGGCCTTGTCTGTCACCATTGAT[G>A]GCCCCTCCAAGGTGCAGCTGGACTGTCGGGAGTGTCCTGAGGGCCATGTGGTCACTTATA-3'
Protein context (NP_001449.3, residues 2534-2554): GSGALSVTID[Gly2544Ser]PSKVQLDCRE

ClinVar aggregate classification (germline): Uncertain significance. Review status: criteria provided, multiple submitters, no conflicts (2 of 4 stars). 2 submissions from 2 submitters: Uncertain significance (2). Last evaluated 2021-09-01.

Conditions:
Cardiovascular phenotype. Identifiers: MedGen CN230736.
Myofibrillar myopathy 5. Also called: Filaminopathy (type); FILAMINOPATHY, AUTOSOMAL DOMINANT. Identifiers: Orphanet 171445, MedGen C1836050, MONDO:0012289, OMIM 609524.
Distal myopathy with posterior leg and anterior hand involvement. Also called: WILLIAMS DISTAL MYOPATHY. Identifiers: Orphanet 63273, MedGen C3279722, MONDO:0013550, OMIM 614065.
Hypertrophic cardiomyopathy 26. Also called: Cardiomyopathy, familial hypertrophic, 26. Identifiers: Orphanet 75249, MedGen C4310749, MONDO:0014883, OMIM 617047.

Submissions (2):

Labcorp Genetics (formerly Invitae), Labcorp
Classification: Uncertain significance for Distal myopathy with posterior leg and anterior hand involvement; Myofibrillar myopathy 5; Hypertrophic cardiomyopathy 26. Last evaluated: 2021-09-01. Review status: criteria provided, single submitter. Criteria: Invitae Variant Classification Sherloc (09022015). Collection method: clinical testing. Allele origin: germline.
Comment: In summary, the available evidence is currently insufficient to determine the role of this variant in disease. Therefore, it has been classified as a Variant of Uncertain Significance. Algorithms developed to predict the effect of sequence changes on RNA splicing suggest that this variant may create or strengthen a splice site. Algorithms developed to predict the effect of missense changes on protein structure and function are either unavailable or do not agree on the potential impact of this missense change (SIFT: "Deleterious"; PolyPhen-2: "Probably Damaging"; Align-GVGD: "Class C0"). This variant has not been reported in the literature in individuals affected with FLNC-related conditions. This variant is not present in population databases (ExAC no frequency). This sequence change replaces glycine with serine at codon 2544 of the FLNC protein (p.Gly2544Ser). The glycine residue is highly conserved and there is a small physicochemical difference between glycine and serine.

Ambry Genetics
Classification: Uncertain significance for Cardiovascular phenotype. Last evaluated: 2020-08-04. Review status: criteria provided, single submitter. Criteria: Ambry Variant Classification Scheme 2023. Collection method: clinical testing. Allele origin: germline.
Comment: The p.G2544S variant (also known as c.7630G>A), located in coding exon 46 of the FLNC gene, results from a G to A substitution at nucleotide position 7630. The glycine at codon 2544 is replaced by serine, an amino acid with similar properties. This amino acid position is highly conserved in available vertebrate species. In addition, this alteration is predicted to be deleterious by in silico analysis. Since supporting evidence is limited at this time, the clinical significance of this alteration remains unclear.